The following is an entry in ClinVar:

NM_000492.4(CFTR):c.2605dup (p.Ile869fs)

Gene: CFTR (CF transmembrane conductance regulator; plus strand). Cytogenetic location: 7q31.2.
Variant type: Duplication.
Coding change: c.2605dup on transcript NM_000492.4 (MANE Select); coding-DNA position 2605, one base duplicated (A; older notation c.2605dupA).
Protein change: p.Ile869fs; shifts the reading frame from isoleucine 869.
Molecular consequence: frameshift variant.
Genome position (GRCh38, 1-based): chr7:117,595,044, A duplicated; the last of 2 consecutive A bases (chr7:117,595,043-117,595,044); duplicating either gives the same sequence. VCF-style (leftmost placement, unchanged base first): chr7-117595042-T-TA. GRCh37 (hg19) VCF-style: chr7-117235096-T-TA.
Other names: c.2605dupA (NM_000492.3); short protein forms I869fs.
Identifiers: ClinVar variation 1793720 (VCV001793720.2), dbSNP rs2485114027, ClinGen allele CA2580076595.

ClinVar aggregate classification (germline): Pathogenic (1 of 4 stars; one submission).

Conditions:
Cystic fibrosis (CF). Also called: MUCOVISCIDOSIS. Identifiers: Orphanet 586, MedGen C0010674, MONDO:0009061, OMIM 219700. Disease mechanism: loss of function.

Submission:

Ambry Genetics
Classification: Pathogenic for Cystic fibrosis. Last evaluated: 2021-11-26. Review status: criteria provided, single submitter. Criteria: Ambry Variant Classification Scheme 2023. Collection method: clinical testing. Allele origin: germline.
Comment: The c.2605dupA pathogenic mutation, located in coding exon 15 of the CFTR gene, results from a duplication of A at nucleotide position 2605, causing a translational frameshift with a predicted alternate stop codon (p.I869Nfs*27). This variant is considered to be rare based on population cohorts in the Genome Aggregation Database (gnomAD). This alteration is expected to result in loss of function by premature protein truncation or nonsense-mediated mRNA decay. As such, this alteration is interpreted as a disease-causing mutation.